The following is an entry in ClinVar:

ClinVar aggregate classification (germline): Uncertain significance (1 of 4 stars; one submission).

gnomAD v4.1: 14 of 1,613,870 alleles (0.00087%); highest among the groups gnomAD compares: Non-Finnish European, 0.0012%; no homozygotes.

Submission:

Labcorp Genetics (formerly Invitae), Labcorp
Classification: Uncertain significance. Last evaluated: 2024-10-16. Review status: criteria provided, single submitter. Criteria: Invitae Variant Classification Sherloc (09022015). Collection method: clinical testing. Allele origin: germline.
Comment: This sequence change replaces glutamic acid, which is acidic and polar, with lysine, which is basic and polar, at codon 561 of the KIF20A protein (p.Glu561Lys). This variant is present in population databases (rs760039287, gnomAD 0.002%). This variant has not been reported in the literature in individuals affected with KIF20A-related conditions. An algorithm developed to predict the effect of missense changes on protein structure and function (PolyPhen-2) suggests that this variant is likely to be tolerated. In summary, the available evidence is currently insufficient to determine the role of this variant in disease. Therefore, it has been classified as a Variant of Uncertain Significance.

NM_005733.3(KIF20A):c.1681G>A (p.Glu561Lys)

Gene: KIF20A (kinesin family member 20A; plus strand). Cytogenetic location: 5q31.2.
Variant type: single nucleotide variant.
Coding change: c.1681G>A on transcript NM_005733.3 (MANE Select); coding-DNA position 1681, G replaced by A.
Protein change: p.Glu561Lys; replaces glutamic acid 561 with lysine.
Molecular consequence: missense variant.
Genome position (GRCh38, 1-based): chr5:138,184,674, G>A. VCF-style: chr5-138184674-G-A. GRCh37 (hg19) VCF-style: chr5-137520363-G-A.
Other names: short protein forms E561K.
Identifiers: ClinVar variation 3714542 (VCV003714542.2).
Genomic context (GRCh38, chr5:138,184,674, plus strand): 5'-GCAGACACAGGCCTTGATGATGATATTGAAAATGAAGCTGACATCTCCATGTATGGCAAA[G>A]AGGTGAGAATACAAGAAAGCTTTAGTGTAGCAGCTTAGTAGCTACACATTTTTCCATGGT-3'
Protein context (NP_005724.1, residues 551-571): NEADISMYGK[Glu561Lys]ELLQVVEAMK